The following is an entry in ClinVar:

ClinVar aggregate classification (germline): Uncertain significance (1 of 4 stars; one submission).

Conditions:
Bethlem myopathy 1A. Also called: Bethlem myopathy 1; MYOPATHY, BENIGN CONGENITAL, WITH CONTRACTURES; Bethlem Muscular Dystrophy. Identifiers: Orphanet 610, MedGen CN029274, MONDO:0024530, OMIM 158810.

Submission:

Labcorp Genetics (formerly Invitae), Labcorp
Classification: Uncertain significance for Bethlem myopathy 1A. Last evaluated: 2022-08-23. Review status: criteria provided, single submitter. Criteria: Invitae Variant Classification Sherloc (09022015). Collection method: clinical testing. Allele origin: germline.
Comment: In summary, the available evidence is currently insufficient to determine the role of this variant in disease. Therefore, it has been classified as a Variant of Uncertain Significance. Experimental studies and prediction algorithms are not available or were not evaluated, and the functional significance of this variant is currently unknown. This variant has not been reported in the literature in individuals affected with COL6A2-related conditions. This variant results in a copy number gain of the genomic region encompassing exon(s) 1-3 of the COL6A2 gene. This region includes the initiator codon of the gene. This copy number gain extends beyond the assayed region for this gene and therefore may encompass additional genes. As the precise location of this event is unknown, it may be in tandem or it may be located elsewhere in the genome.

NC_000021.8:g.(?_47401745)_(47532511_?)dup

Genes: COL6A2 (collagen type VI alpha 2 chain; plus strand), COL6A2-DT (COL6A2 divergent transcript; minus strand), COL6A1 (collagen type VI alpha 1 chain; plus strand), LOC121853033 (Sharpr-MPRA regulatory region 12001; plus strand), LOC130066866 (ATAC-STARR-seq lymphoblastoid active region 18597; plus strand). Cytogenetic location: 21q22.3.
Variant type: Duplication.
Identifiers: ClinVar variation 583504 (VCV000583504.3).